The following is an entry in ClinVar:

NM_012471.3(TRPC5):c.1425T>A (p.Thr475=)

Gene: TRPC5 (transient receptor potential cation channel subfamily C member 5; minus strand). Cytogenetic location: Xq23.
Variant type: single nucleotide variant.
Coding change: c.1425T>A on transcript NM_012471.3 (MANE Select); coding-DNA position 1425, T replaced by A.
Protein change: p.Thr475=; no amino-acid change (threonine 475 retained).
Molecular consequence: synonymous variant.
Genome position (GRCh38, 1-based): chrX:111,847,389, A>T on the plus strand (T>A on the coding strand, the complement: TRPC5 is on the minus strand). VCF-style: chrX-111847389-A-T. GRCh37 (hg19) VCF-style: chrX-111090617-A-T.
Identifiers: ClinVar variation 4998022 (VCV004998022.1).

ClinVar aggregate classification (germline): Likely benign (1 of 4 stars; one submission).

Conditions:
TRPC5-related disorder. Also called: TRPC5-related condition.

Submission:

PreventionGenetics, part of Exact Sciences
Classification: Likely benign for TRPC5-related condition. Last evaluated: 2025-07-01. Review status: criteria provided, single submitter. Criteria: ACMG Guidelines, 2015. Collection method: clinical testing. Allele origin: germline.
Comment: This variant is classified as likely benign based on ACMG/AMP sequence variant interpretation guidelines (Richards et al. 2015 PMID: 25741868, with internal and published modifications).